The following is an entry in ClinVar:

ClinVar aggregate classification (germline): Pathogenic (1 of 4 stars; one submission).

Conditions:
Developmental delay, impaired speech, and behavioral abnormalities, with or without seizures (DEDISB). Identifiers: MedGen C5575272, MONDO:0859263, OMIM 619964.

Submission:

Institute of Human Genetics, Heidelberg University
Classification: Pathogenic for Developmental delay, impaired speech, and behavioral abnormalities, with or without seizures. Last evaluated: 2025-05-09. Review status: criteria provided, single submitter. Criteria: ACMG Guidelines, 2015. Collection method: clinical testing. Allele origin: de novo. Affected: yes. Observed: 1 variant allele.
Comment: PVS1, PS2_sup, PM2_sup

NM_006421.5(ARFGEF1):c.327T>A (p.Tyr109Ter)

Gene: ARFGEF1 (ARF guanine nucleotide exchange factor 1; minus strand). Cytogenetic location: 8q13.2.
Variant type: single nucleotide variant.
Coding change: c.327T>A on transcript NM_006421.5 (MANE Select); coding-DNA position 327, T replaced by A.
Protein change: p.Tyr109Ter; replaces tyrosine 109 with a stop codon.
Molecular consequence: nonsense. On other transcripts: 5 prime UTR variant (4), non-coding transcript variant (1).
Genome position (GRCh38, 1-based): chr8:67,299,341, A>T on the plus strand (T>A on the coding strand, the complement: ARFGEF1 is on the minus strand). VCF-style: chr8-67299341-A-T. GRCh37 (hg19) VCF-style: chr8-68211576-A-T.
Other names: c.327T>A, p.Tyr109Ter (NM_001413184.1, NM_001413185.1, NM_001413186.1 and 7 more transcripts); c.-274T>A (NM_001413188.1, NM_001413193.1, NM_001413197.1); c.-789T>A (NM_001413196.1); short protein forms Y109*.
Identifiers: ClinVar variation 4277233 (VCV004277233.1).
Genomic context (GRCh38, chr8:67,299,341, plus strand): 5'-TCTATCAATTAATTTTTTGCCTGGTGTTGTACTATCTGGAGCATTGCCAGTCAAGTGCCC[A>T]TAAGCAATAAGTTTCTAAAATGGAGAAAGAAAACAAAGATCCTAAGTAAGGTAACAAATA-3'